The following is an entry in ClinVar:

NM_080916.3(DGUOK):c.658G>T (p.Glu220Ter)

Gene: DGUOK (deoxyguanosine kinase; plus strand). Cytogenetic location: 2p13.1.
Variant type: single nucleotide variant.
Coding change: c.658G>T on transcript NM_080916.3 (MANE Select); coding-DNA position 658, G replaced by T.
Protein change: p.Glu220Ter; replaces glutamic acid 220 with a stop codon.
Molecular consequence: nonsense. On other transcripts: non-coding transcript variant (1), intron variant (2).
Genome position (GRCh38, 1-based): chr2:73,957,191, G>T. VCF-style: chr2-73957191-G-T. GRCh37 (hg19) VCF-style: chr2-74184318-G-T.
Other names: p.E220*:GAG>TAG; c.367G>T, p.Glu123Ter (NM_001318860.2, NM_001318861.2); c.349G>T, p.Glu117Ter (NM_001318862.2, NM_001318863.2); c.444-955G>T (NM_080918.3); c.426-955G>T (NM_001318859.2); short protein forms E220*, E117*, E123*.
Identifiers: ClinVar variation 214287 (VCV000214287.2), dbSNP rs863223948, ClinGen allele CA324081.

ClinVar aggregate classification (germline): Pathogenic (1 of 4 stars; one submission).

Submission:

GeneDx
Classification: Pathogenic. Last evaluated: 2013-06-18. Review status: criteria provided, single submitter. Criteria: GeneDx Variant Classification (06012015). Collection method: clinical testing. Allele origin: germline. Affected: yes.
Comment: p.Glu220Stop (GAG>TAG): c.658 G>T in exon 5 of the DGUOK gene (NM_080916.1). The E220X nonsense mutation in the DGUOK gene is predicted to cause loss of normal protein function through protein truncation, and may also cause loss of normal protein function through nonsense-mediated mRNA decay. Although this mutation has not been reported previously to our knowledge, it is expected to be a pathogenic mutation. The variant is found in MITONUC-MITOP panel(s).